The following is an entry in ClinVar:

NM_001097642.3(GJB1):c.-16-523_-16-519delinsCAAGT

Gene: GJB1 (gap junction protein beta 1; plus strand). Cytogenetic location: Xq13.1.
Variant type: Indel.
Coding change: c.-16-523_-16-519delinsCAAGT on transcript NM_001097642.3; 523 bases into the intron before 16 bases upstream of the start codon through 519 bases into the intron before 16 bases upstream of the start codon, AAAGG replaced by CAAGT.
Molecular consequence: intron variant.
Genome position (GRCh38, 1-based): chrX:71,223,169-71,223,173, AAAGG replaced by CAAGT. VCF-style: chrX-71223169-AAAGG-CAAGT. GRCh37 (hg19) VCF-style: chrX-70443019-AAAGG-CAAGT.
Other names: c.-17+403_-17+407delinsCAAGT (NM_001440770.1).
Identifiers: ClinVar variation 429946 (VCV000429946.4), dbSNP rs1131691690, ClinGen allele CA645369756.

ClinVar aggregate classification (germline): Uncertain significance (1 of 4 stars; one submission).

Submission:

GeneDx
Classification: Uncertain significance. Last evaluated: 2017-05-15. Review status: criteria provided, single submitter. Criteria: GeneDx Variant Classification (06012015). Collection method: clinical testing. Allele origin: germline. Affected: yes.
Comment: The c.-183_-179delAAAGGinsCAAGT variant has not been published as a pathogenic variant, nor hasit been reported as a benign variant to our knowledge. No data are available from control populationsto assess the frequency of this variant. The c.-183_-179delAAAGGinsCAAGT variant may affect a 5'regulatory region; however, in the absence of RNA/functional studies, the actual effect of this sequencechange in this individual is unknown.